The following is an entry in ClinVar:

ClinVar aggregate classification (germline): Uncertain significance (1 of 4 stars; one submission).

Allele frequency attached by ClinVar (database versions not stated): gnomAD exomes 0.00001.

Submission:

GeneDx
Classification: Uncertain significance. Last evaluated: 2019-07-26. Review status: criteria provided, single submitter. Criteria: GeneDx Variant Classification Process June 2021. Collection method: clinical testing. Allele origin: germline. Affected: yes.
Comment: In silico analysis, which includes splice predictors and evolutionary conservation, supports a deleterious effect; Has not been previously published as pathogenic or benign to our knowledge

NM_004606.5(TAF1):c.989A>G (p.Asp330Gly)

Gene: TAF1 (TATA-box binding protein associated factor 1; plus strand). Cytogenetic location: Xq13.1.
Variant type: single nucleotide variant.
Coding change: c.989A>G on transcript NM_004606.5 (MANE Select); coding-DNA position 989, A replaced by G.
Protein change: p.Asp330Gly; replaces aspartic acid 330 with glycine.
Molecular consequence: missense variant. On other transcripts: non-coding transcript variant (9).
Genome position (GRCh38, 1-based): chrX:71,378,290, A>G. VCF-style: chrX-71378290-A-G. GRCh37 (hg19) VCF-style: chrX-70598140-A-G.
Other names: c.989A>G, p.Asp330Gly (NM_001286074.2); c.926A>G, p.Asp309Gly (NM_138923.4); short protein forms D309G, D330G.
Identifiers: ClinVar variation 1303387 (VCV001303387.2), dbSNP rs1189454968, ClinGen allele CA413508675.
Genomic context (GRCh38, chrX:71,378,290, plus strand): 5'-TACAGATCACGATGATGGCTCCTGTGGAGTCCAAATTTTCCCAATCAACTGGAGATATAG[A>G]TAAAGTGACAGATACCAAACCAAGAGTGGCTGAGTGGCGTTATGGGCCTGCCCGACTGTG-3'
Protein context (NP_004597.3, residues 320-340): SKFSQSTGDI[Asp330Gly]KVTDTKPRVA